The following is an entry in ClinVar:

NM_015175.3(NBEAL2):c.5660C>T (p.Pro1887Leu)

Gene: NBEAL2 (neurobeachin like 2; plus strand). Cytogenetic location: 3p21.31.
Variant type: single nucleotide variant.
Coding change: c.5660C>T on transcript NM_015175.3 (MANE Select); coding-DNA position 5660, C replaced by T.
Protein change: p.Pro1887Leu; replaces proline 1887 with leucine.
Molecular consequence: missense variant.
Genome position (GRCh38, 1-based): chr3:47,003,249, C>T. VCF-style: chr3-47003249-C-T. GRCh37 (hg19) VCF-style: chr3-47044739-C-T.
Other names: c.5558C>T, p.Pro1853Leu (NM_001365116.2); short protein forms P1853L, P1887L.
Identifiers: ClinVar variation 3385097 (VCV003385097.2).
Genomic context (GRCh38, chr3:47,003,249, plus strand): 5'-CACCCACCGAGGAGGCCTCACTGCCTCTGGCAGTGACCAAAGAGGCCAAAGTGAGCACCC[C>T]ACCCGAGTTGCTGCAGGAGGACCAGCTCGGCGAGGACGAGCTGGCTGAGCTGGAGACCCC-3'
Protein context (NP_055990.1, residues 1877-1897): AVTKEAKVST[Pro1887Leu]PELLQEDQLG

ClinVar aggregate classification (germline): Uncertain significance. Review status: criteria provided, multiple submitters, no conflicts (2 of 4 stars). 2 submissions from 2 submitters: Uncertain significance (2). Last evaluated 2025-09-07.

Conditions:
NBEAL2-related disorder. Also called: NBEAL2-related condition.

gnomAD v4.1: 83 of 1,613,070 alleles (0.0051%); highest among the groups gnomAD compares: Non-Finnish European, 0.0063%; no homozygotes.

Submissions (2):

PreventionGenetics, part of Exact Sciences
Classification: Uncertain significance for NBEAL2-related condition. Last evaluated: 2025-09-07. Review status: criteria provided, single submitter. Criteria: ACMG Guidelines, 2015. Collection method: clinical testing. Allele origin: germline.
Comment: The NBEAL2 c.5660C>T variant is predicted to result in the amino acid substitution p.Pro1887Leu. To our knowledge, this variant has not been reported in the literature. This variant is reported in 0.013% of alleles in individuals of European (Non-Finnish) descent in gnomAD. At this time, the clinical significance of this variant is uncertain due to the absence of conclusive functional and genetic evidence.

Women's Health and Genetics/Laboratory Corporation of America, LabCorp
Classification: Uncertain significance. Last evaluated: 2024-10-25. Review status: criteria provided, single submitter. Criteria: LabCorp Variant Classification Summary - May 2015. Collection method: clinical testing. Allele origin: germline.
Comment: Variant summary: NBEAL2 c.5660C>T (p.Pro1887Leu) results in a non-conservative amino acid change in the encoded protein sequence. Four of five in-silico tools predict a benign effect of the variant on protein function. The variant allele was found at a frequency of 6.4e-05 in 248084 control chromosomes. This frequency is not significantly higher than estimated for a pathogenic variant in NBEAL2 causing Gray Platelet Syndrome, allowing no conclusion about variant significance. c.5660C>T has been reported in the literature in individuals affected with rare inherited bleeding disorde (example : Leinoe_2017). These report(s) do not provide unequivocal conclusions about association of the variant with Gray Platelet Syndrome. To our knowledge, no experimental evidence demonstrating an impact on protein function has been reported. The following publication has been ascertained in the context of this evaluation (PMID: 28748566). No submitters have cited clinical-significance assessments for this variant to ClinVar. Based on the evidence outlined above, the variant was classified as uncertain significance.

Literature cited by the submitters: PubMed 28748566 (cited by Women's Health and Genetics/Laboratory Corporation of America, LabCorp).